The following is an entry in ClinVar:

NM_020822.3(KCNT1):c.334+7G>A

Gene: KCNT1 (potassium sodium-activated channel subfamily T member 1; plus strand). Cytogenetic location: 9q34.3.
Variant type: single nucleotide variant.
Coding change: c.334+7G>A on transcript NM_020822.3 (MANE Select); 7 bases into the intron after coding-DNA position 334, G replaced by A.
Molecular consequence: intron variant.
Genome position (GRCh38, 1-based): chr9:135,750,184, G>A. VCF-style: chr9-135750184-G-A. GRCh37 (hg19) VCF-style: chr9-138642030-G-A.
Other names: c.190+7G>A (NM_001272003.2).
Identifiers: ClinVar variation 386875 (VCV000386875.11), dbSNP rs1057522631, ClinGen allele CA16606375.

ClinVar aggregate classification (germline): Likely benign. Review status: criteria provided, multiple submitters, no conflicts (2 of 4 stars). 4 submissions from 3 submitters: Likely benign (4). Last evaluated 2022-03-15.

Conditions:
Developmental and epileptic encephalopathy, 14 (DEE14). Also called: Early infantile epileptic encephalopathy 14. Identifiers: Orphanet 293181, MedGen C3554195, MONDO:0013989, OMIM 614959.
Autosomal dominant nocturnal frontal lobe epilepsy 5. Also called: KCNT1-Related Epilepsy; CILIARY DYSKINESIA, PRIMARY, 28, WITHOUT SITUS INVERSUS; CILIARY DYSKINESIA, PRIMARY, 28, WITH SITUS INVERSUS; Epilepsy, nocturnal frontal lobe, 5. Identifiers: Orphanet 98784, MedGen C3554306, MONDO:0014002, OMIM 615005.

Submissions (4):

Genome-Nilou Lab
Classification: Likely benign for Developmental and epileptic encephalopathy, 14. Last evaluated: 2022-03-15. Review status: criteria provided, single submitter. Criteria: ACMG Guidelines, 2015. Collection method: clinical testing. Allele origin: germline. Affected: no.

Genome-Nilou Lab
Classification: Likely benign for Autosomal dominant nocturnal frontal lobe epilepsy 5. Last evaluated: 2022-03-15. Review status: criteria provided, single submitter. Criteria: ACMG Guidelines, 2015. Collection method: clinical testing. Allele origin: germline. Affected: no.

Labcorp Genetics (formerly Invitae), Labcorp
Classification: Likely benign for Autosomal dominant nocturnal frontal lobe epilepsy 5; Developmental and epileptic encephalopathy, 14. Last evaluated: 2020-01-27. Review status: criteria provided, single submitter. Criteria: Invitae Variant Classification Sherloc (09022015). Collection method: clinical testing. Allele origin: germline.

GeneDx
Classification: Likely benign. Last evaluated: 2016-06-13. Review status: criteria provided, single submitter. Criteria: GeneDx Variant Classification (06012015). Collection method: clinical testing. Allele origin: germline. Affected: yes.
Comment: This variant is considered likely benign or benign based on one or more of the following criteria: it is a conservative change, it occurs at a poorly conserved position in the protein, it is predicted to be benign by multiple in silico algorithms, and/or has population frequency not consistent with disease.